The following is an entry in ClinVar:

NM_001006658.3(CR2):c.641G>A (p.Arg214His)

Gene: CR2 (complement C3d receptor 2; plus strand). Cytogenetic location: 1q32.2.
Variant type: single nucleotide variant.
Coding change: c.641G>A on transcript NM_001006658.3 (MANE Select); coding-DNA position 641, G replaced by A.
Protein change: p.Arg214His; replaces arginine 214 with histidine.
Molecular consequence: missense variant.
Genome position (GRCh38, 1-based): chr1:207,468,806, G>A. VCF-style: chr1-207468806-G-A. GRCh37 (hg19) VCF-style: chr1-207642151-G-A.
Other names: c.641G>A, p.Arg214His (NM_001877.5); short protein forms R214H.
Identifiers: ClinVar variation 540320 (VCV000540320.15), dbSNP rs141831783, ClinGen allele CA1368501.

ClinVar aggregate classification (germline): Conflicting classifications of pathogenicity. Review status: criteria provided, conflicting classifications (1 of 4 stars). 4 submissions from 4 submitters: Uncertain significance (2); Likely benign (2). Last evaluated 2026-02-04.

Conditions:
Immunodeficiency, common variable, 7. Identifiers: Orphanet 1572, Orphanet 696894, MedGen C3542922, MONDO:0013862, OMIM 614699.

Allele frequency attached by ClinVar (database versions not stated): ESP Exome Variant Server 0.00015; gnomAD 0.00025 and 0.00034; TOPMed 0.00036; gnomAD exomes 0.00041 and 0.00053; ExAC 0.00049; 1000 Genomes Project 30x 0.00062; 1000 Genomes Project 0.00080.
gnomAD v4.1: 649 of 1,613,970 alleles (0.04%); highest among the groups gnomAD compares: East Asian, 0.79%; no homozygotes.

Submissions (4):

Labcorp Genetics (formerly Invitae), Labcorp
Classification: Likely benign for Immunodeficiency, common variable, 7. Last evaluated: 2026-02-04. Review status: criteria provided, single submitter. Criteria: Invitae Variant Classification Sherloc (09022015). Collection method: clinical testing. Allele origin: germline.

ARUP Laboratories, Molecular Genetics and Genomics, ARUP Laboratories
Classification: Uncertain significance. Last evaluated: 2025-01-07. Review status: criteria provided, single submitter. Criteria: ARUP Molecular Germline Variant Investigation Process 2024. Collection method: clinical testing. Allele origin: germline.
Comment: The CR2 c.641G>A; p.Arg214His variant (rs141831783), to our knowledge, is not reported in the medical literature but is reported in ClinVar (Variation ID: 540320). This variant is found in the East Asian population with an allele frequency of 0.431% (86/19946 alleles) in the Genome Aggregation Database (v2.1.1). Computational analyses predict that this variant is neutral (REVEL: 0.041). Due to limited information, the clinical significance of this variant is uncertain at this time.

Blueprint Genetics
Classification: Uncertain significance. Last evaluated: 2024-09-17. Review status: criteria provided, single submitter. Criteria: ACMG Guidelines, 2015. Collection method: clinical testing. Allele origin: germline.

Breakthrough Genomics
Classification: Likely benign. Review status: criteria provided, single submitter. Criteria: ACMG Guidelines, 2015. Collection method: not provided. Allele origin: germline. Inheritance: Autosomal recessive inheritance. Affected: yes.